The following is an entry in ClinVar:

NC_000001.10:g.(?_237433777)_(237433936_?)dup

Gene: RYR2 (ryanodine receptor 2; plus strand). Cytogenetic location: 1q43.
Variant type: Duplication.
Identifiers: ClinVar variation 463533 (VCV000463533.48).

ClinVar aggregate classification (germline): Likely pathogenic (1 of 4 stars; one submission).

Conditions:
Catecholaminergic polymorphic ventricular tachycardia 1. Also called: VENTRICULAR TACHYCARDIA, STRESS-INDUCED POLYMORPHIC 1; VENTRICULAR TACHYCARDIA, CATECHOLAMINERGIC POLYMORPHIC, 1, WITH OR WITHOUT ATRIAL DYSFUNCTION AND/OR DILATED CARDIOMYOPATHY; RYR2-Related Catecholaminergic Polymorphic Ventricular Tachycardia. Identifiers: Orphanet 3286, MedGen C1631597, MONDO:0011484, OMIM 604772.

Submission:

Labcorp Genetics (formerly Invitae), Labcorp
Classification: Likely pathogenic for Catecholaminergic polymorphic ventricular tachycardia 1. Last evaluated: 2024-01-08. Review status: criteria provided, single submitter. Criteria: Invitae Variant Classification Sherloc (09022015). Collection method: clinical testing. Allele origin: germline.
Comment: This variant results in a copy number gain of the genomic region encompassing exon(s) 2 of the RYR2 gene. While the exact position of this variant cannot be determined from the data, sub-genic copy number gains are generally in tandem (PMID: 25640679). This variant is predicted to be in-frame, and likely preserves the integrity of the reading frame. A similar copy number variant has been observed in individuals with clinical features of autosomal dominant RYR2-related conditions (Invitae). It has also been observed to segregate with disease in related individuals. Experimental studies and prediction algorithms are not available or were not evaluated, and the functional significance of this variant is currently unknown. In summary, the currently available evidence indicates that the variant is pathogenic, but additional data are needed to prove that conclusively. Therefore, this variant has been classified as Likely Pathogenic.

Literature cited by the submitters: PubMed 25640679.